The following is an entry in ClinVar:

NM_005901.6(SMAD2):c.994A>G (p.Ile332Val)

Gene: SMAD2 (SMAD family member 2; minus strand). Cytogenetic location: 18q21.1.
Variant type: single nucleotide variant.
Coding change: c.994A>G on transcript NM_005901.6 (MANE Select); coding-DNA position 994, A replaced by G.
Protein change: p.Ile332Val; replaces isoleucine 332 with valine.
Molecular consequence: missense variant.
Genome position (GRCh38, 1-based): chr18:47,848,478, T>C on the plus strand (A>G on the coding strand, the complement: SMAD2 is on the minus strand). VCF-style: chr18-47848478-T-C. GRCh37 (hg19) VCF-style: chr18-45374849-T-C.
Other names: c.994A>G, p.Ile332Val (NM_001003652.4); c.904A>G, p.Ile302Val (NM_001135937.3); short protein forms I302V, I332V.
Identifiers: ClinVar variation 2800300 (VCV002800300.3), dbSNP rs2511318016, ClinGen allele CA402504237.
Genomic context (GRCh38, chr18:47,848,478, plus strand): 5'-TGCCTACATTATGAGTATACAGCATTTATTTTTCACAACAAGGAAAATAAAACATACCTA[T>C]ATGCCTTCTTGTCATTTCTACCGTGGCATTTCGGTTAACATTGGAGAGTAAACCTAAGCA-3'
Protein context (NP_005892.1, residues 322-342): NATVEMTRRH[Ile332Val]GRGVRLYYIG

ClinVar aggregate classification (germline): Uncertain significance (1 of 4 stars; one submission).

Submission:

Labcorp Genetics (formerly Invitae), Labcorp
Classification: Uncertain significance. Last evaluated: 2023-11-27. Review status: criteria provided, single submitter. Criteria: Invitae Variant Classification Sherloc (09022015). Collection method: clinical testing. Allele origin: germline.
Comment: This sequence change replaces isoleucine, which is neutral and non-polar, with valine, which is neutral and non-polar, at codon 332 of the SMAD2 protein (p.Ile332Val). This variant is not present in population databases (gnomAD no frequency). This variant has not been reported in the literature in individuals affected with SMAD2-related conditions. Advanced modeling of protein sequence and biophysical properties (such as structural, functional, and spatial information, amino acid conservation, physicochemical variation, residue mobility, and thermodynamic stability) performed at Invitae indicates that this missense variant is not expected to disrupt SMAD2 protein function with a negative predictive value of 80%. In summary, the available evidence is currently insufficient to determine the role of this variant in disease. Therefore, it has been classified as a Variant of Uncertain Significance.